The following is an entry in ClinVar:

ClinVar aggregate classification (germline): Pathogenic (1 of 4 stars; one submission).

Conditions:
Spastic paraplegia. Identifiers: MedGen C0037772, HP:0001258.

Submission:

Labcorp Genetics (formerly Invitae), Labcorp
Classification: Pathogenic for Spastic paraplegia. Last evaluated: 2023-02-08. Review status: criteria provided, single submitter. Criteria: Invitae Variant Classification Sherloc (09022015). Collection method: clinical testing. Allele origin: unknown.
Comment: This variant is a gross deletion of the genomic region encompassing exon(s) 2-12 of the ZFYVE26 gene, which includes the initiator codon. This deletion extends beyond the assayed region for this gene and therefore may encompass additional genes. It is expected to result in an absent or disrupted protein product. Loss-of-function variants in ZFYVE26 are known to be pathogenic (PMID: 18394578, 19805727). This variant has not been reported in the literature in individuals affected with ZFYVE26-related conditions. For these reasons, this variant has been classified as Pathogenic.

Literature cited by the submitters: PubMed 18394578; PubMed 19805727.

NC_000014.8:g.(?_68264369)_(68282680_?)del

Gene: ZFYVE26 (zinc finger FYVE-type containing 26; minus strand). Cytogenetic location: 14q24.1.
Variant type: Deletion.
Identifiers: ClinVar variation 3243954 (VCV003243954.1).